The following is an entry in ClinVar:

ClinVar aggregate classification (germline): Likely benign (1 of 4 stars; one submission).

Allele frequency attached by ClinVar (database versions not stated): TOPMed 0.00013; gnomAD 0.00021; gnomAD exomes 0.00027; ExAC 0.00070; 1000 Genomes Project 30x 0.00078; 1000 Genomes Project 0.00080.
gnomAD v4.1: 425 of 1,605,680 alleles (0.026%); highest among the groups gnomAD compares: South Asian, 0.38%; 5 homozygotes.

Submission:

CeGaT Center for Human Genetics Tuebingen
Classification: Likely benign. Last evaluated: 2022-07-01. Review status: criteria provided, single submitter. Criteria: CeGaT Center For Human Genetics Tuebingen Variant Classification Criteria Version 2. Collection method: clinical testing. Allele origin: germline. Affected: yes. Observed: 1 variant allele.
Comment: NOL4L: BP4, BP7

NM_001256798.2(NOL4L):c.981C>T (p.Ala327=)

Gene: NOL4L (nucleolar protein 4 like; minus strand). Cytogenetic location: 20q11.21.
Variant type: single nucleotide variant.
Coding change: c.981C>T on transcript NM_001256798.2 (MANE Select); coding-DNA position 981, C replaced by T.
Protein change: p.Ala327=; no amino-acid change (alanine 327 retained).
Molecular consequence: synonymous variant.
Genome position (GRCh38, 1-based): chr20:32,456,256, G>A on the plus strand (C>T on the coding strand, the complement: NOL4L is on the minus strand). VCF-style: chr20-32456256-G-A. GRCh37 (hg19) VCF-style: chr20-31044059-G-A.
Other names: c.249C>T, p.Ala83= (NM_001351680.2, NM_080616.6).
Identifiers: ClinVar variation 2652257 (VCV002652257.24), dbSNP rs570929204, ClinGen allele CA9809399.